The following is an entry in ClinVar:

ClinVar aggregate classification (germline): Conflicting classifications of pathogenicity. Review status: criteria provided, conflicting classifications (1 of 4 stars). 3 submissions from 3 submitters: Uncertain significance (1); Likely benign (2). Last evaluated 2024-05-23.

Conditions:
Orofaciodigital syndrome I (OFD1). Also called: Papillon-Leage and Psaume Syndrome; Oral-Facial-Digital Syndrome Type I; OFDS I. Identifiers: Orphanet 2750, MedGen C1510460, MONDO:0010702, OMIM 311200.
Joubert syndrome. Also called: Familial aplasia of the vermis; CEREBELLOPARENCHYMAL DISORDER IV; JOUBERT-BOLTSHAUSER SYNDROME. Identifiers: Orphanet 475, MedGen C5979921, MONDO:0018772.
Joubert syndrome 10 (JBTS10). Identifiers: Orphanet 2754, MedGen C2749019, MONDO:0010431, OMIM 300804.
Simpson-Golabi-Behmel syndrome type 2. Identifiers: Orphanet 79022, MedGen C1846175, MONDO:0010265, OMIM 300209.
Retinitis pigmentosa 23 (RP23). Identifiers: Orphanet 791, MedGen C1419610, MONDO:0010320, OMIM 300424.

Allele frequency attached by ClinVar (database versions not stated): gnomAD exomes 0.00001; TOPMed 0.00001; gnomAD 0.00002.
gnomAD v4.1: 13 of 1,209,524 alleles (0.0011%); highest among the groups gnomAD compares: East Asian, 0.0059%; no homozygotes.

Submissions (3):

Fulgent Genetics
Classification: Likely benign for Simpson-Golabi-Behmel syndrome type 2; Retinitis pigmentosa 23; Joubert syndrome 10; Orofaciodigital syndrome I. Last evaluated: 2024-05-23. Review status: criteria provided, single submitter. Criteria: ACMG Guidelines, 2015. Collection method: clinical testing. Allele origin: germline.

Labcorp Genetics (formerly Invitae), Labcorp
Classification: Uncertain significance for Orofaciodigital syndrome I; Joubert syndrome. Last evaluated: 2023-03-27. Review status: criteria provided, single submitter. Criteria: Invitae Variant Classification Sherloc (09022015). Collection method: clinical testing. Allele origin: germline.
Comment: This sequence change replaces arginine, which is basic and polar, with cysteine, which is neutral and slightly polar, at codon 726 of the OFD1 protein (p.Arg726Cys). This variant is not present in population databases (gnomAD no frequency). This variant has not been reported in the literature in individuals affected with OFD1-related conditions. ClinVar contains an entry for this variant (Variation ID: 982582). Advanced modeling of protein sequence and biophysical properties (such as structural, functional, and spatial information, amino acid conservation, physicochemical variation, residue mobility, and thermodynamic stability) performed at Invitae indicates that this missense variant is not expected to disrupt OFD1 protein function. In summary, the available evidence is currently insufficient to determine the role of this variant in disease. Therefore, it has been classified as a Variant of Uncertain Significance.

Institute of Human Genetics, University of Leipzig Medical Center
Classification: Likely benign for Joubert syndrome 10. Last evaluated: 2019-01-01. Review status: criteria provided, single submitter. Criteria: ACMG Guidelines, 2015. Collection method: clinical testing. Allele origin: unknown. Affected: no.
Comment: This variant was identified as compound heterozygous.

NM_003611.3(OFD1):c.2176C>T (p.Arg726Cys)

Gene: OFD1 (OFD1 centriole and centriolar satellite protein; plus strand). Cytogenetic location: Xp22.2.
Variant type: single nucleotide variant.
Coding change: c.2176C>T on transcript NM_003611.3 (MANE Select); coding-DNA position 2176, C replaced by T.
Protein change: p.Arg726Cys; replaces arginine 726 with cysteine.
Molecular consequence: missense variant.
Genome position (GRCh38, 1-based): chrX:13,760,636, C>T. VCF-style: chrX-13760636-C-T. GRCh37 (hg19) VCF-style: chrX-13778755-C-T.
Other names: c.2056C>T, p.Arg686Cys (NM_001330209.2); c.1756C>T, p.Arg586Cys (NM_001330210.2); short protein forms R586C, R686C, R726C.
Identifiers: ClinVar variation 982582 (VCV000982582.5), dbSNP rs1260959326, ClinGen allele CA412344682.